The following is an entry in ClinVar:

NM_001797.4(CDH11):c.2229C>T (p.Tyr743=)

Gene: CDH11 (cadherin 11; minus strand). Cytogenetic location: 16q21.
Variant type: single nucleotide variant.
Coding change: c.2229C>T on transcript NM_001797.4 (MANE Select); coding-DNA position 2229, C replaced by T.
Protein change: p.Tyr743=; no amino-acid change (tyrosine 743 retained).
Molecular consequence: synonymous variant. On other transcripts: 3 prime UTR variant (1).
Genome position (GRCh38, 1-based): chr16:64,947,765, G>A on the plus strand (C>T on the coding strand, the complement: CDH11 is on the minus strand). VCF-style: chr16-64947765-G-A. GRCh37 (hg19) VCF-style: chr16-64981668-G-A.
Other names: c.*326C>T (NM_001308392.2); c.1851C>T, p.Tyr617= (NM_001330576.2).
Identifiers: ClinVar variation 2646586 (VCV002646586.25), dbSNP rs145843219, ClinGen allele CA8091831.

ClinVar aggregate classification (germline): Likely benign. Review status: criteria provided, multiple submitters, no conflicts (2 of 4 stars). 2 submissions from 2 submitters: Likely benign (2). Last evaluated 2024-10-17.

Allele frequency attached by ClinVar (database versions not stated): gnomAD exomes 0.00047; gnomAD 0.00060; ExAC 0.00076; TOPMed 0.00077; ESP Exome Variant Server 0.00100; 1000 Genomes Project 0.00120; 1000 Genomes Project 30x 0.00156.
gnomAD v4.1: 783 of 1,614,092 alleles (0.049%); highest among the groups gnomAD compares: Admixed American, 0.32%; 1 homozygote.

Submissions (2):

Blueprint Genetics
Classification: Likely benign. Last evaluated: 2024-10-17. Review status: criteria provided, single submitter. Criteria: ACMG Guidelines, 2015. Collection method: clinical testing. Allele origin: germline.

CeGaT Center for Human Genetics Tuebingen
Classification: Likely benign. Last evaluated: 2024-01-01. Review status: criteria provided, single submitter. Criteria: CeGaT Center For Human Genetics Tuebingen Variant Classification Criteria Version 2. Collection method: clinical testing. Allele origin: germline. Affected: yes. Observed: 4 variant alleles.
Comment: CDH11: BP4, BP7